The following is an entry in ClinVar:

ClinVar aggregate classification (germline): Uncertain significance (1 of 4 stars; one submission).

Conditions:
Congenital myasthenic syndrome 8. Also called: MYASTHENIC SYNDROME, CONGENITAL, DUE TO AGRIN DEFICIENCY; Myasthenic syndrome, congenital, 8, with pre- and postsynaptic defects. Identifiers: Orphanet 590, MedGen C3808739, MONDO:0014052, OMIM 615120.

Allele frequency attached by ClinVar (database versions not stated): gnomAD exomes below 0.00001 and 0.00003; TOPMed below 0.00001.
gnomAD v4.1: 5 of 1,548,992 alleles (0.00032%); highest among the groups gnomAD compares: Admixed American, 0.0078%; no homozygotes.

Submission:

Labcorp Genetics (formerly Invitae), Labcorp
Classification: Uncertain significance for Congenital myasthenic syndrome 8. Last evaluated: 2024-10-22. Review status: criteria provided, single submitter. Criteria: Invitae Variant Classification Sherloc (09022015). Collection method: clinical testing. Allele origin: germline.
Comment: This sequence change replaces glutamic acid, which is acidic and polar, with lysine, which is basic and polar, at codon 2031 of the AGRN protein (p.Glu2031Lys). This variant is present in population databases (no rsID available, gnomAD 0.02%). This variant has not been reported in the literature in individuals affected with AGRN-related conditions. ClinVar contains an entry for this variant (Variation ID: 666093). An algorithm developed to predict the effect of missense changes on protein structure and function (PolyPhen-2) suggests that this variant is likely to be disruptive. In summary, the available evidence is currently insufficient to determine the role of this variant in disease. Therefore, it has been classified as a Variant of Uncertain Significance.

NM_198576.4(AGRN):c.6091G>A (p.Glu2031Lys)

Gene: AGRN (agrin; plus strand). Cytogenetic location: 1p36.33.
Variant type: single nucleotide variant.
Coding change: c.6091G>A on transcript NM_198576.4 (MANE Select); coding-DNA position 6091, G replaced by A.
Protein change: p.Glu2031Lys; replaces glutamic acid 2031 with lysine.
Molecular consequence: missense variant.
Genome position (GRCh38, 1-based): chr1:1,054,934, G>A. VCF-style: chr1-1054934-G-A. GRCh37 (hg19) VCF-style: chr1-990314-G-A.
Other names: c.6160G>A, p.Glu2054Lys (NM_001305275.2); c.5788G>A, p.Glu1930Lys (NM_001364727.2); short protein forms E1930K, E2031K, E2054K.
Identifiers: ClinVar variation 666093 (VCV000666093.5), dbSNP rs1028610040, ClinGen allele CA337786977.